The following is an entry in ClinVar:

ClinVar aggregate classification (germline): Uncertain significance. Review status: criteria provided, multiple submitters, no conflicts (2 of 4 stars). 2 submissions from 2 submitters: Uncertain significance (2). Last evaluated 2026-06-24.

Conditions:
Ehlers-Danlos syndrome due to tenascin-X deficiency (EDSCLL1). Also called: EDS DUE TO TNX DEFICIENCY; TNX DEFICIENCY; TNXB-Related Classical-Like Ehlers-Danlos Syndrome; EHLERS-DANLOS SYNDROME, CLASSIC-LIKE; Ehlers-Danlos syndrome, classic-like, 1. Identifiers: Orphanet 230839, MedGen C1848029, MONDO:0011670, OMIM 606408.
Cardiovascular phenotype. Identifiers: MedGen CN230736.

gnomAD v4.1: 2 of 1,610,786 alleles (0.00012%); highest among the groups gnomAD compares: Non-Finnish European, 0.00017%; no homozygotes.

Submissions (2):

Ambry Genetics
Classification: Uncertain significance for Cardiovascular phenotype. Last evaluated: 2026-06-24. Review status: criteria provided, single submitter. Criteria: Ambry Variant Classification Scheme 2023. Collection method: clinical testing. Allele origin: germline.

Myriad Genetics, Inc.
Classification: Uncertain significance for Ehlers-Danlos syndrome due to tenascin-X deficiency. Last evaluated: 2026-03-20. Review status: criteria provided, single submitter. Criteria: Myriad Autosomal Dominant, Autosomal Recessive and X-Linked Classification Criteria (2023). Collection method: clinical testing. Allele origin: unknown.
Comment: NM_019105.6(TNXB):c.4453G>A(V1485M) is a missense variant classified as a variant of uncertain significance in the context of classical-like Ehlers-Danlos syndrome, TNXB-related. V1485M has not been observed in cases with relevant disease. Relevant functional assessments of this variant are not available in the literature. V1485M has not been observed in referenced population frequency databases. In summary, there is insufficient evidence to classify NM_019105.6(TNXB):c.4453G>A(V1485M) as pathogenic or benign. Please note: this variant was assessed in the context of healthy population screening.

NM_001365276.2(TNXB):c.4453G>A (p.Val1485Met)

Gene: TNXB (tenascin XB; minus strand). Cytogenetic location: 6p21.33.
Variant type: single nucleotide variant.
Coding change: c.4453G>A on transcript NM_001365276.2 (MANE Select); coding-DNA position 4453, G replaced by A.
Protein change: p.Val1485Met; replaces valine 1485 with methionine.
Molecular consequence: missense variant.
Genome position (GRCh38, 1-based): chr6:32,073,875, C>T on the plus strand (G>A on the coding strand, the complement: TNXB is on the minus strand). VCF-style: chr6-32073875-C-T. GRCh37 (hg19) VCF-style: chr6-32041652-C-T.
Other names: c.4453G>A, p.Val1485Met (NM_019105.8); short protein forms V1485M.
Identifiers: ClinVar variation 3327911 (VCV003327911.3).